The following is an entry in ClinVar:

NM_002894.3(RBBP8):c.279A>G (p.Ala93=)

Gene: RBBP8 (RB binding protein 8, endonuclease; plus strand). Cytogenetic location: 18q11.2.
Variant type: single nucleotide variant.
Coding change: c.279A>G on transcript NM_002894.3 (MANE Select); coding-DNA position 279, A replaced by G.
Protein change: p.Ala93=; no amino-acid change (alanine 93 retained).
Molecular consequence: synonymous variant.
Genome position (GRCh38, 1-based): chr18:22,968,836, A>G. VCF-style: chr18-22968836-A-G. GRCh37 (hg19) VCF-style: chr18-20548799-A-G.
Other names: c.279A>G, p.Ala93= (NM_203291.2, NM_203292.2); c.279A>G (NM_002894.2).
Identifiers: ClinVar variation 1439181 (VCV001439181.8), dbSNP rs144391536, ClinGen allele CA8909768.

ClinVar aggregate classification (germline): Likely benign. Review status: criteria provided, single submitter (1 of 4 stars). 2 submissions from 2 submitters: Likely benign (1). 1 of the submissions does not count toward it. Last evaluated 2024-10-07.

Conditions:
RBBP8-related disorder. Also called: RBBP8-related condition; RBBP8-Related Disorders. Identifiers: MedGen CN239300.

Allele frequency attached by ClinVar (database versions not stated): ExAC 0.00001; gnomAD exomes 0.00007; ESP Exome Variant Server 0.00008; TOPMed 0.00015; gnomAD 0.00019 and 0.00020.
gnomAD v4.1: 101 of 1,613,508 alleles (0.0063%); highest among the groups gnomAD compares: Admixed American, 0.05%; no homozygotes.

Submissions (2):

Labcorp Genetics (formerly Invitae), Labcorp
Classification: Likely benign. Last evaluated: 2024-10-07. Review status: criteria provided, single submitter. Criteria: Invitae Variant Classification Sherloc (09022015). Collection method: clinical testing. Allele origin: germline.

PreventionGenetics, part of Exact Sciences
Classification: Likely benign for RBBP8-related condition. Last evaluated: 2023-10-23. Review status: no assertion criteria provided. Collection method: clinical testing. Allele origin: germline. Not counted in ClinVar's aggregate classification.
Comment: This variant is classified as likely benign based on ACMG/AMP sequence variant interpretation guidelines (Richards et al. 2015 PMID: 25741868, with internal and published modifications).